The following is an entry in ClinVar:

NM_000059.4(BRCA2):c.7997G>C (p.Arg2666Thr)

Gene: BRCA2 (BRCA2 DNA repair associated; plus strand). Cytogenetic location: 13q13.1.
Variant type: single nucleotide variant.
Coding change: c.7997G>C on transcript NM_000059.4 (MANE Select); coding-DNA position 7997, G replaced by C.
Protein change: p.Arg2666Thr; replaces arginine 2666 with threonine.
Molecular consequence: missense variant.
Genome position (GRCh38, 1-based): chr13:32,363,199, G>C. VCF-style: chr13-32363199-G-C. GRCh37 (hg19) VCF-style: chr13-32937336-G-C.
Other names: short protein forms R2666T.
Identifiers: ClinVar variation 52466 (VCV000052466.19), dbSNP rs80359033, ClinGen allele CA025392.

ClinVar aggregate classification (germline): Conflicting classifications of pathogenicity. Review status: criteria provided, conflicting classifications (1 of 4 stars). 6 submissions from 6 submitters: Uncertain significance (4); Likely benign (1). 1 of the submissions does not count toward it. Last evaluated 2025-12-22.

Conditions:
Hereditary breast ovarian cancer syndrome. Also called: Hereditary breast and ovarian cancer syndrome; Hereditary breast and ovarian cancer; Hereditary breast and ovarian cancer syndrome (HBOC); Breast and ovarian cancer; Hereditary breast and/or ovarian cancer syndrome; BRCA1- and BRCA2-Associated Hereditary Breast and Ovarian Cancer. Identifiers: Orphanet 145, MedGen C0677776, MeSH D061325, MONDO:0003582. Disease mechanism: loss of function.
Familial cancer of breast. Also called: BREAST CANCER, FAMILIAL; Hereditary breast cancer; hereditary breast carcinoma. Identifiers: Orphanet 227535, MedGen C0346153, MONDO:0016419, OMIM 114480. Disease mechanism: loss of function.
Hereditary cancer-predisposing syndrome. Also called: Neoplastic Syndromes, Hereditary; Tumor predisposition; Hereditary neoplastic syndrome; Hereditary Cancer Syndrome. Identifiers: Orphanet 140162, MedGen C0027672, MeSH D009386, MONDO:0015356.
Breast-ovarian cancer, familial, susceptibility to, 2 (BROVCA2). Also called: BRCA2 Hereditary Breast and Ovarian Cancer. Identifiers: Orphanet 145, MedGen C2675520, MONDO:0012933, OMIM 612555. Disease mechanism: loss of function.

Allele frequency attached by ClinVar (database versions not stated): gnomAD exomes below 0.00001.
gnomAD v4.1: 1 of 1,613,634 alleles (0.000062%); highest among the groups gnomAD compares: Non-Finnish European, 0.000085%; no homozygotes.

Submissions (6):

Labcorp Genetics (formerly Invitae), Labcorp
Classification: Uncertain significance for Hereditary breast ovarian cancer syndrome. Last evaluated: 2025-12-22. Review status: criteria provided, single submitter. Criteria: Invitae Variant Classification Sherloc (09022015). Collection method: clinical testing. Allele origin: germline.
Comment: This sequence change replaces arginine, which is basic and polar, with threonine, which is neutral and polar, at codon 2666 of the BRCA2 protein (p.Arg2666Thr). This variant is not present in population databases (gnomAD no frequency). This variant has not been reported in the literature in individuals affected with BRCA2-related conditions. ClinVar contains an entry for this variant (Variation ID: 52466). Invitae Evidence Modeling of protein sequence and biophysical properties (such as structural, functional, and spatial information, amino acid conservation, physicochemical variation, residue mobility, and thermodynamic stability) indicates that this missense variant is not expected to disrupt BRCA2 protein function with a negative predictive value of 95%. In summary, the available evidence is currently insufficient to determine the role of this variant in disease. Therefore, it has been classified as a Variant of Uncertain Significance.

Ambry Genetics
Classification: Likely benign for Hereditary cancer-predisposing syndrome. Last evaluated: 2025-05-19. Review status: criteria provided, single submitter. Criteria: Ambry Variant Classification Scheme 2023. Collection method: clinical testing. Allele origin: germline.

ARUP Laboratories, Molecular Genetics and Genomics, ARUP Laboratories
Classification: Uncertain significance. Last evaluated: 2024-10-07. Review status: criteria provided, single submitter. Criteria: ARUP Molecular Germline Variant Investigation Process 2024. Collection method: clinical testing. Allele origin: germline.
Comment: The BRCA2 c.7997G>C; p.Arg2666Thr variant (rs80359033), to our knowledge, is not reported in the medical literature associated with disease but is reported in ClinVar (Variation ID: 52466). This variant is absent from the Genome Aggregation Database (v2.1.1), indicating it is not a common polymorphism. Computational analyses are uncertain whether this variant is neutral or deleterious (REVEL: 0.587), but is predicted to be neutral in a protein likelihood ratio analysis (Karchin 2008). Due to limited information, the clinical significance of this variant is uncertain at this time. References: Karchin R et al. Classifying Variants of Undetermined Significance in BRCA2 with protein likelihood ratios. Cancer Inform. 2008;6:203-16. PMID: 19043619.

Baylor Genetics
Classification: Uncertain significance for Familial cancer of breast. Last evaluated: 2024-03-15. Review status: criteria provided, single submitter. Criteria: ACMG Guidelines, 2015. Collection method: clinical testing. Allele origin: unknown.

Color Diagnostics, LLC DBA Color Health
Classification: Uncertain significance for Hereditary cancer-predisposing syndrome. Last evaluated: 2019-03-26. Review status: criteria provided, single submitter. Criteria: ACMG Guidelines, 2015. Collection method: clinical testing. Allele origin: germline.

Breast Cancer Information Core (BIC) (BRCA2)
Classification: Uncertain significance for Breast-ovarian cancer, familial 2. Last evaluated: 2002-05-29. Review status: no assertion criteria provided. Collection method: clinical testing. Allele origin: germline. Affected: yes. Observed: 1 variant allele. Not counted in ClinVar's aggregate classification.